The following is an entry in ClinVar:

NM_005245.4(FAT1):c.10937G>A (p.Arg3646His)

Genes: FAT1 (FAT atypical cadherin 1; minus strand), LOC126807254 (BRD4-independent group 4 enhancer GRCh37_chr4:187524269-187525468; plus strand). Cytogenetic location: 4q35.2.
Variant type: single nucleotide variant.
Coding change: c.10937G>A on transcript NM_005245.4 (MANE Select); coding-DNA position 10937, G replaced by A.
Protein change: p.Arg3646His; replaces arginine 3646 with histidine.
Molecular consequence: missense variant.
Genome position (GRCh38, 1-based): chr4:186,603,589, C>T on the plus strand (G>A on the coding strand, the complement: FAT1 is on the minus strand). VCF-style: chr4-186603589-C-T. GRCh37 (hg19) VCF-style: chr4-187524743-C-T.
Other names: c.10937G>A (NM_005245.3); short protein forms R3646H.
Identifiers: ClinVar variation 3715355 (VCV003715355.2).

ClinVar aggregate classification (germline): Uncertain significance. Review status: criteria provided, multiple submitters, no conflicts (2 of 4 stars). 2 submissions from 2 submitters: Uncertain significance (2). Last evaluated 2024-12-14.

Conditions:
Inborn genetic diseases. Identifiers: MedGen C0950123, MeSH D030342.

gnomAD v4.1: 75 of 1,613,948 alleles (0.0046%); highest among the groups gnomAD compares: African/African-American, 0.015%; no homozygotes.

Submissions (2):

Ambry Genetics
Classification: Uncertain significance for Inborn genetic diseases. Last evaluated: 2024-12-14. Review status: criteria provided, single submitter. Criteria: Ambry Variant Classification Scheme 2023. Collection method: clinical testing. Allele origin: germline.

Labcorp Genetics (formerly Invitae), Labcorp
Classification: Uncertain significance. Last evaluated: 2024-10-30. Review status: criteria provided, single submitter. Criteria: Invitae Variant Classification Sherloc (09022015). Collection method: clinical testing. Allele origin: germline.
Comment: This sequence change replaces arginine, which is basic and polar, with histidine, which is basic and polar, at codon 3646 of the FAT1 protein (p.Arg3646His). This variant is present in population databases (rs569010622, gnomAD 0.02%). This variant has not been reported in the literature in individuals affected with FAT1-related conditions. Invitae Evidence Modeling of protein sequence and biophysical properties (such as structural, functional, and spatial information, amino acid conservation, physicochemical variation, residue mobility, and thermodynamic stability) has been performed for this missense variant. However, the output from this modeling did not meet the statistical confidence thresholds required to predict the impact of this variant on FAT1 protein function. In summary, the available evidence is currently insufficient to determine the role of this variant in disease. Therefore, it has been classified as a Variant of Uncertain Significance.